The following is an entry in ClinVar:

NM_004329.3(BMPR1A):c.1374C>T (p.Tyr458=)

Gene: BMPR1A (bone morphogenetic protein receptor type 1A; plus strand). Cytogenetic location: 10q23.2.
Variant type: single nucleotide variant.
Coding change: c.1374C>T on transcript NM_004329.3 (MANE Select); coding-DNA position 1374, C replaced by T.
Protein change: p.Tyr458=; no amino-acid change (tyrosine 458 retained).
Molecular consequence: synonymous variant. On other transcripts: non-coding transcript variant (3).
Genome position (GRCh38, 1-based): chr10:86,923,407, C>T. VCF-style: chr10-86923407-C-T. GRCh37 (hg19) VCF-style: chr10-88683164-C-T.
Other names: c.1449C>T, p.Tyr483= (NM_001406559.1); c.1422C>T, p.Tyr474= (NM_001406560.1); c.1374C>T, p.Tyr458= (NM_001406561.1, NM_001406562.1, NM_001406563.1 and 19 more transcripts); c.1368C>T, p.Tyr456= (NM_001406583.1); c.1290C>T, p.Tyr430= (NM_001406584.1, NM_001406585.1, NM_001406586.1 and 2 more transcripts); c.1032C>T, p.Tyr344= (NM_001406589.1).
Identifiers: ClinVar variation 1931462 (VCV001931462.6), dbSNP rs1564725603, ClinGen allele CA470308545.
Genomic context (GRCh38, chr10:86,923,407, plus strand): 5'-TGTGCCCATGTTTTCTCATTCCCTTATAGGGATCGTGGAAGAATACCAATTGCCATATTA[C>T]AACATGGTACCGAGTGATCCGTCATACGAAGATATGCGTGAGGTTGTGTGTGTCAAACGT-3'
Protein context (NP_004320.2, residues 448-468): GIVEEYQLPY[Tyr458=]NMVPSDPSYE

ClinVar aggregate classification (germline): Benign/Likely benign. Review status: criteria provided, multiple submitters, no conflicts (2 of 4 stars). 2 submissions from 2 submitters: Benign (1); Likely benign (1). Last evaluated 2024-08-08.

Conditions:
Juvenile polyposis syndrome (JPS). Identifiers: Orphanet 2929, MedGen C0345893, MONDO:0017380, OMIM 174900.

Submissions (2):

Myriad Genetics, Inc.
Classification: Benign for Juvenile polyposis syndrome. Last evaluated: 2024-08-08. Review status: criteria provided, single submitter. Criteria: Myriad Autosomal Dominant, Autosomal Recessive and X-Linked Classification Criteria (2023). Collection method: clinical testing. Allele origin: unknown.
Comment: This variant is considered benign. This variant is a silent/synonymous amino acid change and it is not expected to impact splicing.

Labcorp Genetics (formerly Invitae), Labcorp
Classification: Likely benign for Juvenile polyposis syndrome. Last evaluated: 2023-06-15. Review status: criteria provided, single submitter. Criteria: Invitae Variant Classification Sherloc (09022015). Collection method: clinical testing. Allele origin: germline.